The following is an entry in ClinVar:

ClinVar aggregate classification (germline): Likely benign. Review status: criteria provided, single submitter (1 of 4 stars). 2 submissions from 2 submitters: Likely benign (1). 1 of the submissions does not count toward it. Last evaluated 2025-04-27.

Conditions:
ACADSB-related disorder. Also called: ACADSB-related condition.
Deficiency of 2-methylbutyryl-CoA dehydrogenase (ACADSB). Also called: 2-methylbutyryl-CoA dehydrogenase deficiency; SBCAD deficiency; 2-methylbutyric aciduria; Short branched-chain acyl-CoA dehydrogenase deficiency; 2-methylbutyrylglycinuria. Identifiers: Orphanet 79157, MedGen C1864912, MONDO:0012392, OMIM 610006, HP:0020147.

Allele frequency attached by ClinVar (database versions not stated): TOPMed 0.00003; ExAC 0.00004; gnomAD 0.00004 and 0.00005; gnomAD exomes 0.00005 and 0.00006; ESP Exome Variant Server 0.00008.
gnomAD v4.1: 78 of 1,614,042 alleles (0.0048%); highest among the groups gnomAD compares: Admixed American, 0.01%; no homozygotes.

Submissions (2):

Labcorp Genetics (formerly Invitae), Labcorp
Classification: Likely benign for Deficiency of 2-methylbutyryl-CoA dehydrogenase. Last evaluated: 2025-04-27. Review status: criteria provided, single submitter. Criteria: Invitae Variant Classification Sherloc (09022015). Collection method: clinical testing. Allele origin: germline.

PreventionGenetics, part of Exact Sciences
Classification: Likely benign for ACADSB-related condition. Last evaluated: 2024-05-30. Review status: no assertion criteria provided. Collection method: clinical testing. Allele origin: germline. Not counted in ClinVar's aggregate classification.
Comment: This variant is classified as likely benign based on ACMG/AMP sequence variant interpretation guidelines (Richards et al. 2015 PMID: 25741868, with internal and published modifications).

NM_001609.4(ACADSB):c.603C>G (p.Leu201=)

Gene: ACADSB (acyl-CoA dehydrogenase short/branched chain; plus strand). Cytogenetic location: 10q26.13.
Variant type: single nucleotide variant.
Coding change: c.603C>G on transcript NM_001609.4 (MANE Select); coding-DNA position 603, C replaced by G.
Protein change: p.Leu201=; no amino-acid change (leucine 201 retained).
Molecular consequence: synonymous variant.
Genome position (GRCh38, 1-based): chr10:123,041,301, C>G. VCF-style: chr10-123041301-C-G. GRCh37 (hg19) VCF-style: chr10-124800817-C-G.
Other names: c.297C>G, p.Leu99= (NM_001330174.3); c.603C>G (NM_001609.3).
Identifiers: ClinVar variation 1615808 (VCV001615808.9), dbSNP rs368834489, ClinGen allele CA5730749.
Genomic context (GRCh38, chr10:123,041,301, plus strand): 5'-AGGTAGTGACTCATTTGCTTTGAAGACCAGAGCTGATAAAGAGGGAGATTATTATGTCCT[C>G]AATGGATCAAAGATGTGGATCAGCAGTGCTGAGCACGCAGGGCTCTTTCTGGTGATGGCA-3'
Protein context (NP_001600.1, residues 191-211): RADKEGDYYV[Leu201=]NGSKMWISSA